The following is an entry in ClinVar:

NM_012080.5(PUDP):c.270G>A (p.Ala90=)

Gene: PUDP (pseudouridine 5'-phosphatase; minus strand). Cytogenetic location: Xp22.31.
Variant type: single nucleotide variant.
Coding change: c.270G>A on transcript NM_012080.5 (MANE Select); coding-DNA position 270, G replaced by A.
Protein change: p.Ala90=; no amino-acid change (alanine 90 retained).
Molecular consequence: synonymous variant. On other transcripts: intron variant (1).
Genome position (GRCh38, 1-based): chrX:7,105,630, C>T on the plus strand (G>A on the coding strand, the complement: PUDP is on the minus strand). VCF-style: chrX-7105630-C-T. GRCh37 (hg19) VCF-style: chrX-7023671-C-T.
Other names: c.339G>A, p.Ala113= (NM_001135565.2); c.270G>A, p.Ala90= (NM_001178135.2); c.151+119G>A (NM_001178136.2).
Identifiers: ClinVar variation 2659913 (VCV002659913.24), dbSNP rs200144671, ClinGen allele CA10341788.

ClinVar aggregate classification (germline): Likely benign (1 of 4 stars; one submission).

Allele frequency attached by ClinVar (database versions not stated): gnomAD exomes 0.00009; gnomAD 0.00013; 1000 Genomes Project 30x 0.00021; 1000 Genomes Project 0.00026; TOPMed 0.00027; ExAC 0.00032.
gnomAD v4.1: 110 of 1,202,221 alleles (0.0091%); highest among the groups gnomAD compares: East Asian, 0.31%; no homozygotes.

Submission:

CeGaT Center for Human Genetics Tuebingen
Classification: Likely benign. Last evaluated: 2022-12-01. Review status: criteria provided, single submitter. Criteria: CeGaT Center For Human Genetics Tuebingen Variant Classification Criteria Version 2. Collection method: clinical testing. Allele origin: germline. Affected: yes. Observed: 1 variant allele.
Comment: PUDP: BP4, BP7, BS2